The following is an entry in ClinVar:

ClinVar aggregate classification (germline): Uncertain significance. Review status: criteria provided, multiple submitters, no conflicts (2 of 4 stars). 2 submissions from 2 submitters: Uncertain significance (2). Last evaluated 2024-05-29.

Allele frequency attached by ClinVar (database versions not stated): ExAC 0.00002; gnomAD 0.00002; gnomAD exomes 0.00003; TOPMed 0.00006.
gnomAD v4.1: 48 of 1,613,956 alleles (0.003%); highest among the groups gnomAD compares: Admixed American, 0.005%; no homozygotes.

Submissions (2):

Labcorp Genetics (formerly Invitae), Labcorp
Classification: Uncertain significance. Last evaluated: 2024-05-29. Review status: criteria provided, single submitter. Criteria: Invitae Variant Classification Sherloc (09022015). Collection method: clinical testing. Allele origin: germline.
Comment: This sequence change replaces glycine, which is neutral and non-polar, with serine, which is neutral and polar, at codon 1092 of the DSCAML1 protein (p.Gly1092Ser). This variant is present in population databases (rs778198275, gnomAD 0.008%). This variant has not been reported in the literature in individuals affected with DSCAML1-related conditions. ClinVar contains an entry for this variant (Variation ID: 2168755). An algorithm developed to predict the effect of missense changes on protein structure and function (PolyPhen-2) suggests that this variant is likely to be disruptive. In summary, the available evidence is currently insufficient to determine the role of this variant in disease. Therefore, it has been classified as a Variant of Uncertain Significance.

Ambry Genetics
Classification: Uncertain significance. Last evaluated: 2024-05-07. Review status: criteria provided, single submitter. Criteria: Ambry Variant Classification Scheme 2023. Collection method: clinical testing. Allele origin: germline.

NM_020693.4(DSCAML1):c.3094G>A (p.Gly1032Ser)

Gene: DSCAML1 (DS cell adhesion molecule like 1; minus strand). Cytogenetic location: 11q23.3.
Variant type: single nucleotide variant.
Coding change: c.3094G>A on transcript NM_020693.4 (MANE Select); coding-DNA position 3094, G replaced by A.
Protein change: p.Gly1032Ser; replaces glycine 1032 with serine.
Molecular consequence: missense variant.
Genome position (GRCh38, 1-based): chr11:117,465,113, C>T on the plus strand (G>A on the coding strand, the complement: DSCAML1 is on the minus strand). VCF-style: chr11-117465113-C-T. GRCh37 (hg19) VCF-style: chr11-117335829-C-T.
Other names: c.3274G>A (NM_020693.2); short protein forms G1032S.
Identifiers: ClinVar variation 2168755 (VCV002168755.5), dbSNP rs778198275, ClinGen allele CA6296796.